The following is an entry in ClinVar:

ClinVar aggregate classification (germline): Pathogenic (1 of 4 stars; one submission).

Submission:

Labcorp Genetics (formerly Invitae), Labcorp
Classification: Pathogenic. Last evaluated: 2023-12-07. Review status: criteria provided, single submitter. Criteria: Invitae Variant Classification Sherloc (09022015). Collection method: clinical testing. Allele origin: germline.
Comment: This sequence change creates a premature translational stop signal (p.Cys66Leufs*99) in the SLC46A1 gene. It is expected to result in an absent or disrupted protein product. Loss-of-function variants in SLC46A1 are known to be pathogenic (PMID: 17446347, 21333572). The frequency data for this variant in the population databases is considered unreliable, as metrics indicate poor data quality at this position in the gnomAD database. This premature translational stop signal has been observed in individual(s) with hereditary folate malabsorption (PMID: 20005757). For these reasons, this variant has been classified as Pathogenic.

Literature cited by the submitters: PubMed 17446347; PubMed 21333572; PubMed 20005757.

NM_080669.6(SLC46A1):c.194dup (p.Cys66fs)

Gene: SLC46A1 (solute carrier family 46 member 1; minus strand). Cytogenetic location: 17q11.2.
Variant type: Duplication.
Coding change: c.194dup on transcript NM_080669.6 (MANE Select); coding-DNA position 194, one base duplicated (G; older notation c.194dupG).
Protein change: p.Cys66fs; shifts the reading frame from cysteine 66.
Molecular consequence: frameshift variant.
Genome position (GRCh38, 1-based): chr17:28,405,921, C duplicated on the plus strand (G on the coding strand, the reverse complement: SLC46A1 is on the minus strand); the first of 7 consecutive C bases (chr17:28,405,921-28,405,927); duplicating any one gives the same sequence. VCF-style (leftmost placement, unchanged base first): chr17-28405920-G-GC. GRCh37 (hg19) VCF-style: chr17-26732938-G-GC.
Other names: c.194dup, p.Cys66fs (NM_001242366.3); short protein forms C66fs.
Identifiers: ClinVar variation 2736487 (VCV002736487.3), dbSNP rs80338769, ClinGen allele CA345075.
Genomic context (GRCh38, chr17:28,405,920, plus strand): 5'-CTGCCAGGCTCCTCGCCGCCCCGCTACCTGCATGGTGGGGTCCGCGCTGCGGTTGCTGCA[G>GC]CCCCCCCTTTGGCGGGTGCCATTGTAGCCGAGGTCGGCGCTGAAGCGGTGCCACAGATAC-3'